The following is an entry in ClinVar:

ClinVar aggregate classification (germline): Uncertain significance (1 of 4 stars; one submission).

Submission:

Ambry Genetics
Classification: Uncertain significance. Last evaluated: 2022-10-02. Review status: criteria provided, single submitter. Criteria: Ambry Variant Classification Scheme 2023. Collection method: clinical testing. Allele origin: germline.
Comment: The p.H533D variant (also known as c.1597C>G), located in coding exon 15 of the PRKDC gene, results from a C to G substitution at nucleotide position 1597. The histidine at codon 533 is replaced by aspartic acid, an amino acid with similar properties. This amino acid position is conserved. In addition, this alteration is predicted to be tolerated by in silico analysis. Since supporting evidence is limited at this time, the clinical significance of this alteration remains unclear.

NM_006904.7(PRKDC):c.1597C>G (p.His533Asp)

Gene: PRKDC (protein kinase, DNA-activated, catalytic subunit; minus strand). Cytogenetic location: 8q11.21.
Variant type: single nucleotide variant.
Coding change: c.1597C>G on transcript NM_006904.7 (MANE Select); coding-DNA position 1597, C replaced by G.
Protein change: p.His533Asp; replaces histidine 533 with aspartic acid.
Molecular consequence: missense variant.
Genome position (GRCh38, 1-based): chr8:47,933,991, G>C on the plus strand (C>G on the coding strand, the complement: PRKDC is on the minus strand). VCF-style: chr8-47933991-G-C. GRCh37 (hg19) VCF-style: chr8-48846551-G-C.
Other names: c.1597C>G, p.His533Asp (NM_001081640.2); short protein forms H533D.
Identifiers: ClinVar variation 1776026 (VCV001776026.2), dbSNP rs2551879181, ClinGen allele CA371165302.